The following is an entry in ClinVar:

NM_001378120.1(MBD5):c.2402T>C (p.Met801Thr)

Gene: MBD5 (methyl-CpG binding domain protein 5; plus strand). Cytogenetic location: 2q23.1.
Variant type: single nucleotide variant.
Coding change: c.2402T>C on transcript NM_001378120.1 (MANE Select); coding-DNA position 2402, T replaced by C.
Protein change: p.Met801Thr; replaces methionine 801 with threonine.
Molecular consequence: missense variant.
Genome position (GRCh38, 1-based): chr2:148,470,345, T>C. VCF-style: chr2-148470345-T-C. GRCh37 (hg19) VCF-style: chr2-149227914-T-C.
Other names: c.2402T>C, p.Met801Thr (NM_018328.5); short protein forms M801T.
Identifiers: ClinVar variation 575336 (VCV000575336.9), dbSNP rs756231796, ClinGen allele CA1900136.

ClinVar aggregate classification (germline): Uncertain significance (1 of 4 stars; one submission).

Conditions:
Intellectual developmental disorder, autosomal dominant 1. Also called: Intellectual disability, autosomal dominant 1; MBD5 Haploinsufficiency. Identifiers: Orphanet 228402, MedGen C1969562, MONDO:0007974, OMIM 156200.

Allele frequency attached by ClinVar (database versions not stated): ExAC 0.00001; gnomAD 0.00001; gnomAD exomes below 0.00001; TOPMed 0.00001.
gnomAD v4.1: 3 of 1,613,824 alleles (0.00019%); highest among the groups gnomAD compares: Non-Finnish European, 0.00025%; no homozygotes.

Submission:

Labcorp Genetics (formerly Invitae), Labcorp
Classification: Uncertain significance for Intellectual developmental disorder, autosomal dominant 1. Last evaluated: 2025-08-20. Review status: criteria provided, single submitter. Criteria: Invitae Variant Classification Sherloc (09022015). Collection method: clinical testing. Allele origin: germline.
Comment: This sequence change replaces methionine, which is neutral and non-polar, with threonine, which is neutral and polar, at codon 801 of the MBD5 protein (p.Met801Thr). This variant is present in population databases (rs756231796, gnomAD 0.0009%). This variant has not been reported in the literature in individuals affected with MBD5-related conditions. ClinVar contains an entry for this variant (Variation ID: 575336). Invitae Evidence Modeling of protein sequence and biophysical properties (such as structural, functional, and spatial information, amino acid conservation, physicochemical variation, residue mobility, and thermodynamic stability) indicates that this missense variant is not expected to disrupt MBD5 protein function with a negative predictive value of 80%. In summary, the available evidence is currently insufficient to determine the role of this variant in disease. Therefore, it has been classified as a Variant of Uncertain Significance.